The following is an entry in ClinVar:

ClinVar aggregate classification (germline): Uncertain significance (1 of 4 stars; one submission).

Submission:

Labcorp Genetics (formerly Invitae), Labcorp
Classification: Uncertain significance. Last evaluated: 2024-03-17. Review status: criteria provided, single submitter. Criteria: Invitae Variant Classification Sherloc (09022015). Collection method: clinical testing. Allele origin: germline.
Comment: This sequence change replaces methionine, which is neutral and non-polar, with isoleucine, which is neutral and non-polar, at codon 1176 of the STAG1 protein (p.Met1176Ile). This variant is present in population databases (rs746441062, gnomAD 0.003%). This variant has not been reported in the literature in individuals affected with STAG1-related conditions. Advanced modeling of protein sequence and biophysical properties (such as structural, functional, and spatial information, amino acid conservation, physicochemical variation, residue mobility, and thermodynamic stability) performed at Invitae indicates that this missense variant is not expected to disrupt STAG1 protein function with a negative predictive value of 95%. In summary, the available evidence is currently insufficient to determine the role of this variant in disease. Therefore, it has been classified as a Variant of Uncertain Significance.

NM_005862.3(STAG1):c.3528G>A (p.Met1176Ile)

Gene: STAG1 (STAG1 cohesin complex component; minus strand). Cytogenetic location: 3q22.3.
Variant type: single nucleotide variant.
Coding change: c.3528G>A on transcript NM_005862.3 (MANE Select); coding-DNA position 3528, G replaced by A.
Protein change: p.Met1176Ile; replaces methionine 1176 with isoleucine.
Molecular consequence: missense variant.
Genome position (GRCh38, 1-based): chr3:136,341,470, C>T on the plus strand (G>A on the coding strand, the complement: STAG1 is on the minus strand). VCF-style: chr3-136341470-C-T. GRCh37 (hg19) VCF-style: chr3-136060312-C-T.
Other names: short protein forms M1176I.
Identifiers: ClinVar variation 3673222 (VCV003673222.2).